The following is an entry in ClinVar:

NM_206933.4(USH2A):c.4682C>T (p.Ala1561Val)

Gene: USH2A (usherin; minus strand). Cytogenetic location: 1q41.
Variant type: single nucleotide variant.
Coding change: c.4682C>T on transcript NM_206933.4 (MANE Select); coding-DNA position 4682, C replaced by T.
Protein change: p.Ala1561Val; replaces alanine 1561 with valine.
Molecular consequence: missense variant.
Genome position (GRCh38, 1-based): chr1:216,097,159, G>A on the plus strand (C>T on the coding strand, the complement: USH2A is on the minus strand). VCF-style: chr1-216097159-G-A. GRCh37 (hg19) VCF-style: chr1-216270501-G-A.
Other names: c.4682C>T (NM_206933.2); short protein forms A1561V.
Identifiers: ClinVar variation 2161647 (VCV002161647.5), dbSNP rs2527835817, ClinGen allele CA344861250.

ClinVar aggregate classification (germline): Uncertain significance. Review status: criteria provided, multiple submitters, no conflicts (2 of 4 stars). 2 submissions from 2 submitters: Uncertain significance (2). Last evaluated 2025-06-27.

Allele frequency attached by ClinVar (database versions not stated): gnomAD exomes below 0.00001.
gnomAD v4.1: 3 of 1,614,160 alleles (0.00019%); highest among the groups gnomAD compares: South Asian, 0.0011%; no homozygotes.

Submissions (2):

GeneDx
Classification: Uncertain significance. Last evaluated: 2025-06-27. Review status: criteria provided, single submitter. Criteria: GeneDx Variant Classification Process June 2021. Collection method: clinical testing. Allele origin: germline. Affected: yes.
Comment: Not observed at significant frequency in large population cohorts (gnomAD); In silico analysis suggests that this missense variant does not alter protein structure/function; Has not been previously published as pathogenic or benign to our knowledge

Labcorp Genetics (formerly Invitae), Labcorp
Classification: Uncertain significance. Last evaluated: 2025-02-24. Review status: criteria provided, single submitter. Criteria: Invitae Variant Classification Sherloc (09022015). Collection method: clinical testing. Allele origin: germline.
Comment: This sequence change replaces alanine, which is neutral and non-polar, with valine, which is neutral and non-polar, at codon 1561 of the USH2A protein (p.Ala1561Val). This variant is not present in population databases (gnomAD no frequency). This variant has not been reported in the literature in individuals affected with USH2A-related conditions. ClinVar contains an entry for this variant (Variation ID: 2161647). Invitae Evidence Modeling of protein sequence and biophysical properties (such as structural, functional, and spatial information, amino acid conservation, physicochemical variation, residue mobility, and thermodynamic stability) indicates that this missense variant is not expected to disrupt USH2A protein function with a negative predictive value of 95%. In summary, the available evidence is currently insufficient to determine the role of this variant in disease. Therefore, it has been classified as a Variant of Uncertain Significance.